The following is an entry in ClinVar:

ClinVar aggregate classification (germline): Uncertain significance (1 of 4 stars; one submission).

Submission:

Labcorp Genetics (formerly Invitae), Labcorp
Classification: Uncertain significance. Last evaluated: 2021-10-12. Review status: criteria provided, single submitter. Criteria: Invitae Variant Classification Sherloc (09022015). Collection method: clinical testing. Allele origin: germline.
Comment: In summary, the available evidence is currently insufficient to determine the role of this variant in disease. Therefore, it has been classified as a Variant of Uncertain Significance. Algorithms developed to predict the effect of missense changes on protein structure and function (SIFT, PolyPhen-2, Align-GVGD) all suggest that this variant is likely to be disruptive. This variant has not been reported in the literature in individuals affected with NBAS-related conditions. This variant is not present in population databases (ExAC no frequency). This sequence change replaces glycine with arginine at codon 1227 of the NBAS protein (p.Gly1227Arg). The glycine residue is highly conserved and there is a moderate physicochemical difference between glycine and arginine.

NM_015909.4(NBAS):c.3679G>A (p.Gly1227Arg)

Gene: NBAS (NBAS subunit of NRZ tethering complex; minus strand). Cytogenetic location: 2p24.3.
Variant type: single nucleotide variant.
Coding change: c.3679G>A on transcript NM_015909.4 (MANE Select); coding-DNA position 3679, G replaced by A.
Protein change: p.Gly1227Arg; replaces glycine 1227 with arginine.
Molecular consequence: missense variant. On other transcripts: non-coding transcript variant (1).
Genome position (GRCh38, 1-based): chr2:15,374,632, C>T on the plus strand (G>A on the coding strand, the complement: NBAS is on the minus strand). VCF-style: chr2-15374632-C-T. GRCh37 (hg19) VCF-style: chr2-15514756-C-T.
Other names: short protein forms G1227R.
Identifiers: ClinVar variation 1386292 (VCV001386292.6), dbSNP rs2148359694, ClinGen allele CA345895894.